The following is an entry in ClinVar:

NM_015378.4(VPS13D):c.11198G>C (p.Gly3733Ala)

Gene: VPS13D (vacuolar protein sorting 13 homolog D; plus strand). Cytogenetic location: 1p36.22.
Variant type: single nucleotide variant.
Coding change: c.11198G>C on transcript NM_015378.4 (MANE Select); coding-DNA position 11198, G replaced by C.
Protein change: p.Gly3733Ala; replaces glycine 3733 with alanine.
Molecular consequence: missense variant.
Genome position (GRCh38, 1-based): chr1:12,382,983, G>C. VCF-style: chr1-12382983-G-C. GRCh37 (hg19) VCF-style: chr1-12443042-G-C.
Other names: c.11123G>C, p.Gly3708Ala (NM_018156.4); short protein forms G3733A, G3708A.
Identifiers: ClinVar variation 1958036 (VCV001958036.5), dbSNP rs1644302540, ClinGen allele CA338500799.

ClinVar aggregate classification (germline): Uncertain significance (1 of 4 stars; one submission).

Allele frequency attached by ClinVar (database versions not stated): gnomAD exomes below 0.00001; gnomAD 0.00001.
gnomAD v4.1: 2 of 1,613,268 alleles (0.00012%); highest among the groups gnomAD compares: African/African-American, 0.0027%; no homozygotes.

Submission:

Labcorp Genetics (formerly Invitae), Labcorp
Classification: Uncertain significance. Last evaluated: 2022-11-11. Review status: criteria provided, single submitter. Criteria: Invitae Variant Classification Sherloc (09022015). Collection method: clinical testing. Allele origin: germline.
Comment: This sequence change replaces glycine, which is neutral and non-polar, with alanine, which is neutral and non-polar, at codon 3733 of the VPS13D protein (p.Gly3733Ala). This variant is not present in population databases (gnomAD no frequency). This variant has not been reported in the literature in individuals affected with VPS13D-related conditions. Advanced modeling of protein sequence and biophysical properties (such as structural, functional, and spatial information, amino acid conservation, physicochemical variation, residue mobility, and thermodynamic stability) performed at Invitae indicates that this missense variant is not expected to disrupt VPS13D protein function. In summary, the available evidence is currently insufficient to determine the role of this variant in disease. Therefore, it has been classified as a Variant of Uncertain Significance.